The following is an entry in ClinVar:

NM_031935.3(HMCN1):c.15946A>T (p.Ile5316Phe)

Gene: HMCN1 (hemicentin 1; plus strand). Cytogenetic location: 1q31.1.
Variant type: single nucleotide variant.
Coding change: c.15946A>T on transcript NM_031935.3 (MANE Select); coding-DNA position 15946, A replaced by T.
Protein change: p.Ile5316Phe; replaces isoleucine 5316 with phenylalanine.
Molecular consequence: missense variant.
Genome position (GRCh38, 1-based): chr1:186,178,418, A>T. VCF-style: chr1-186178418-A-T. GRCh37 (hg19) VCF-style: chr1-186147550-A-T.
Other names: short protein forms I5316F.
Identifiers: ClinVar variation 3640401 (VCV003640401.2).

ClinVar aggregate classification (germline): Uncertain significance (1 of 4 stars; one submission).

gnomAD v4.1: 5 of 1,611,438 alleles (0.00031%); highest among the groups gnomAD compares: Admixed American, 0.0083%; no homozygotes.

Submission:

Labcorp Genetics (formerly Invitae), Labcorp
Classification: Uncertain significance. Last evaluated: 2024-02-13. Review status: criteria provided, single submitter. Criteria: Invitae Variant Classification Sherloc (09022015). Collection method: clinical testing. Allele origin: germline.
Comment: This sequence change replaces isoleucine, which is neutral and non-polar, with phenylalanine, which is neutral and non-polar, at codon 5316 of the HMCN1 protein (p.Ile5316Phe). This variant is present in population databases (rs777010635, gnomAD 0.01%). This variant has not been reported in the literature in individuals affected with HMCN1-related conditions. An algorithm developed to predict the effect of missense changes on protein structure and function (PolyPhen-2) suggests that this variant is likely to be disruptive. In summary, the available evidence is currently insufficient to determine the role of this variant in disease. Therefore, it has been classified as a Variant of Uncertain Significance.